The following is an entry in ClinVar:

NM_000038.6(APC):c.625G>T (p.Asp209Tyr)

Gene: APC (APC regulator of Wnt signaling pathway; plus strand). Cytogenetic location: 5q22.2.
Variant type: single nucleotide variant.
Coding change: c.625G>T on transcript NM_000038.6 (MANE Select); coding-DNA position 625, G replaced by T.
Protein change: p.Asp209Tyr; replaces aspartic acid 209 with tyrosine.
Molecular consequence: missense variant. On other transcripts: 5 prime UTR variant (1).
Genome position (GRCh38, 1-based): chr5:112,780,883, G>T. VCF-style: chr5-112780883-G-T. GRCh37 (hg19) VCF-style: chr5-112116580-G-T.
Other names: c.625G>T, p.Asp209Tyr (NM_001127510.3, NM_001354895.2, NM_001354896.2 and 16 more transcripts); c.655G>T, p.Asp219Tyr (NM_001127511.3, NM_001354897.2, NM_001354902.2 and 1 more transcripts); c.550G>T, p.Asp184Tyr (NM_001354898.2, NM_001354904.2, NM_001407451.1); c.448G>T, p.Asp150Tyr (NM_001354900.2, NM_001354901.2, NM_001354905.2 and 1 more transcripts); c.-411G>T (NM_001354906.2, NM_001407470.1, NM_001407471.1 and 1 more transcripts); short protein forms D184Y, D150Y, D209Y, D219Y.
Identifiers: ClinVar variation 1752495 (VCV001752495.2), dbSNP rs1114167615, ClinGen allele CA16022706.

ClinVar aggregate classification (germline): Uncertain significance (1 of 4 stars; one submission).

Conditions:
Hereditary cancer-predisposing syndrome. Also called: Hereditary Cancer Syndrome; Hereditary neoplastic syndrome; Neoplastic Syndromes, Hereditary; Tumor predisposition. Identifiers: Orphanet 140162, MedGen C0027672, MeSH D009386, MONDO:0015356.

Allele frequency attached by ClinVar (database versions not stated): gnomAD exomes below 0.00001.
gnomAD v4.1: 1 of 1,611,618 alleles (0.000062%); highest among the groups gnomAD compares: African/African-American, 0.0013%; no homozygotes.

Submission:

Ambry Genetics
Classification: Uncertain significance for Hereditary cancer-predisposing syndrome. Last evaluated: 2021-09-08. Review status: criteria provided, single submitter. Criteria: Ambry Variant Classification Scheme 2023. Collection method: clinical testing. Allele origin: germline.
Comment: The p.D209Y variant (also known as c.625G>T), located in coding exon 5 of the APC gene, results from a G to T substitution at nucleotide position 625. The aspartic acid at codon 209 is replaced by tyrosine, an amino acid with highly dissimilar properties. This amino acid position is well conserved in available vertebrate species. In addition, in silico predictors for this gene do not accurately predict pathogenicity. Since supporting evidence is limited at this time, the clinical significance of this alteration remains unclear.